The following is an entry in ClinVar:

NM_014956.5(CEP164):c.2339C>T (p.Ser780Leu)

Gene: CEP164 (centrosomal protein 164; plus strand). Cytogenetic location: 11q23.3.
Variant type: single nucleotide variant.
Coding change: c.2339C>T on transcript NM_014956.5 (MANE Select); coding-DNA position 2339, C replaced by T.
Protein change: p.Ser780Leu; replaces serine 780 with leucine.
Molecular consequence: missense variant.
Genome position (GRCh38, 1-based): chr11:117,392,281, C>T. VCF-style: chr11-117392281-C-T. GRCh37 (hg19) VCF-style: chr11-117262997-C-T.
Other names: c.2348C>T, p.Ser783Leu (NM_001271933.2); short protein forms S780L, S783L.
Identifiers: ClinVar variation 851372 (VCV000851372.11), dbSNP rs138384561, ClinGen allele CA6295032.

ClinVar aggregate classification (germline): Uncertain significance. Review status: criteria provided, multiple submitters, no conflicts (2 of 4 stars). 6 submissions from 6 submitters: Uncertain significance (6). Last evaluated 2026-04-20.

Conditions:
Nephronophthisis 15 (NPHP15). Identifiers: Orphanet 3156, MedGen C3541853, MONDO:0013917, OMIM 614845.
Inborn genetic diseases. Identifiers: MedGen C0950123, MeSH D030342.
CEP164-related disorder. Also called: CEP164-related condition.

Allele frequency attached by ClinVar (database versions not stated): ESP Exome Variant Server 0.00023; 1000 Genomes Project 30x 0.00031; 1000 Genomes Project 0.00040; gnomAD 0.00040 and 0.00042; TOPMed 0.00045.
gnomAD v4.1: 126 of 1,611,556 alleles (0.0078%); highest among the groups gnomAD compares: African/African-American, 0.11%; no homozygotes.

Submissions (6):

PreventionGenetics, part of Exact Sciences
Classification: Uncertain significance for CEP164-related condition. Last evaluated: 2026-04-20. Review status: criteria provided, single submitter. Criteria: ACMG Guidelines, 2015. Collection method: clinical testing. Allele origin: germline.
Comment: The CEP164 c.2339C>T variant is predicted to result in the amino acid substitution p.Ser780Leu. To our knowledge, this variant has not been reported in the literature. This variant is reported in 0.10% of alleles in individuals of African descent in gnomAD, which is likely too common for an undocumented disease-causing variant. Although we suspect that this variant may be benign, at this time, the clinical significance of this variant is uncertain due to the absence of conclusive functional and genetic evidence.

Ambry Genetics
Classification: Uncertain significance for Inborn genetic diseases. Last evaluated: 2025-01-01. Review status: criteria provided, single submitter. Criteria: Ambry Variant Classification Scheme 2023. Collection method: clinical testing. Allele origin: germline.

Blueprint Genetics
Classification: Uncertain significance. Last evaluated: 2024-04-11. Review status: criteria provided, single submitter. Criteria: ACMG Guidelines, 2015. Collection method: clinical testing. Allele origin: germline.

Labcorp Genetics (formerly Invitae), Labcorp
Classification: Uncertain significance for Nephronophthisis 15. Last evaluated: 2023-11-27. Review status: criteria provided, single submitter. Criteria: Invitae Variant Classification Sherloc (09022015). Collection method: clinical testing. Allele origin: germline.
Comment: This sequence change replaces serine, which is neutral and polar, with leucine, which is neutral and non-polar, at codon 780 of the CEP164 protein (p.Ser780Leu). This variant is present in population databases (rs138384561, gnomAD 0.1%). This variant has not been reported in the literature in individuals affected with CEP164-related conditions. ClinVar contains an entry for this variant (Variation ID: 851372). Advanced modeling of protein sequence and biophysical properties (such as structural, functional, and spatial information, amino acid conservation, physicochemical variation, residue mobility, and thermodynamic stability) performed at Invitae indicates that this missense variant is not expected to disrupt CEP164 protein function with a negative predictive value of 80%. In summary, the available evidence is currently insufficient to determine the role of this variant in disease. Therefore, it has been classified as a Variant of Uncertain Significance.

GeneDx
Classification: Uncertain significance. Last evaluated: 2023-02-14. Review status: criteria provided, single submitter. Criteria: GeneDx Variant Classification Process June 2021. Collection method: clinical testing. Allele origin: germline. Affected: yes.
Comment: In silico analysis supports that this missense variant has a deleterious effect on protein structure/function; Has not been previously published as pathogenic or benign to our knowledge

Fulgent Genetics
Classification: Uncertain significance for Nephronophthisis 15. Last evaluated: 2022-02-03. Review status: criteria provided, single submitter. Criteria: ACMG Guidelines, 2015. Collection method: clinical testing. Allele origin: unknown.